The following is an entry in ClinVar:

ClinVar aggregate classification (germline): Uncertain significance. Review status: criteria provided, multiple submitters, no conflicts (2 of 4 stars). 2 submissions from 2 submitters: Uncertain significance (2). Last evaluated 2023-04-06.

Conditions:
PCWH syndrome. Also called: WAARDENBURG-SHAH SYNDROME, NEUROLOGIC VARIANT. Identifiers: Orphanet 163746, MedGen C1836727, MONDO:0012198, OMIM 609136.

Allele frequency attached by ClinVar (database versions not stated): gnomAD exomes below 0.00001.
gnomAD v4.1: 1 of 1,603,406 alleles (0.000062%); highest among the groups gnomAD compares: East Asian, 0.0022%; no homozygotes.

Submissions (2):

GeneDx
Classification: Uncertain significance. Last evaluated: 2023-04-06. Review status: criteria provided, single submitter. Criteria: GeneDx Variant Classification Process June 2021. Collection method: clinical testing. Allele origin: germline. Affected: yes.
Comment: Not observed at significant frequency in large population cohorts (gnomAD); In silico analysis supports that this missense variant does not alter protein structure/function; Has not been previously published as pathogenic or benign to our knowledge

Baylor Genetics
Classification: Uncertain significance for PCWH syndrome. Last evaluated: 2019-12-10. Review status: criteria provided, single submitter. Criteria: ACMG Guidelines, 2015. Collection method: clinical testing. Allele origin: unknown. Affected: yes.
Comment: This variant was determined to be of uncertain significance according to ACMG Guidelines, 2015 [PMID:25741868].

NM_006941.4(SOX10):c.1165G>A (p.Gly389Ser)

Genes: POLR2F (RNA polymerase II, I and III subunit F; plus strand), SOX10 (SRY-box transcription factor 10; minus strand). Cytogenetic location: 22q13.1.
Variant type: single nucleotide variant.
Coding change: c.1165G>A on transcript NM_006941.4 (MANE Select); coding-DNA position 1165, G replaced by A.
Protein change: p.Gly389Ser; replaces glycine 389 with serine.
Molecular consequence: missense variant. On other transcripts: intron variant (3).
Genome position (GRCh38, 1-based): chr22:37,973,731, C>T on the plus strand (G>A on the coding strand, the complement: SOX10 is on the minus strand). VCF-style: chr22-37973731-C-T. GRCh37 (hg19) VCF-style: chr22-38369738-C-T.
Other names: c.*38+1421C>T (NM_001363825.1); c.293+6561C>T (NM_001301130.2, NM_001301131.2); short protein forms G389S.
Identifiers: ClinVar variation 1027697 (VCV001027697.4), dbSNP rs1397403248, ClinGen allele CA411490320.